The following is an entry in ClinVar:

ClinVar aggregate classification (germline): Likely pathogenic (1 of 4 stars; one submission).

Conditions:
Kennedy disease (SMAX1). Also called: SPINAL AND BULBAR MUSCULAR ATROPHY, X-LINKED 1; KENNEDY SPINAL AND BULBAR MUSCULAR ATROPHY; Spinal and Bulbar Muscular Atrophy. Identifiers: Orphanet 481, MedGen C1839259, MONDO:0010735, OMIM 313200.
Androgen resistance syndrome (AIS). Also called: ANDROGEN RECEPTOR DEFICIENCY; DIHYDROTESTOSTERONE RECEPTOR DEFICIENCY; TESTICULAR FEMINIZATION SYNDROME; Androgen insensitivity syndrome; Androgen insensitivity; DHTR DEFICIENCY. Identifiers: Orphanet 754, Orphanet 99429, MedGen C0039585, MONDO:0019154, OMIM 300068. Disease mechanism: loss of function.

Submission:

Labcorp Genetics (formerly Invitae), Labcorp
Classification: Likely pathogenic for Kennedy disease; Androgen resistance syndrome. Last evaluated: 2024-02-05. Review status: criteria provided, single submitter. Criteria: Invitae Variant Classification Sherloc (09022015). Collection method: clinical testing. Allele origin: germline.
Comment: This variant, c.160_162dup, results in the insertion of 1 amino acid(s) of the AR protein (p.Leu57dup), but otherwise preserves the integrity of the reading frame. This variant is not present in population databases (gnomAD no frequency). A different variant (c.170_172dup) giving rise to the same protein effect has been determined to be pathogenic (PMID: 25500996, 28261839; Invitae). This suggests that this variant is also likely to be causative of disease. Experimental studies and prediction algorithms are not available or were not evaluated, and the functional significance of this variant is currently unknown. In summary, the currently available evidence indicates that the variant is pathogenic, but additional data are needed to prove that conclusively. Therefore, this variant has been classified as Likely Pathogenic.

Literature cited by the submitters: PubMed 25500996; PubMed 28261839.

NM_000044.6(AR):c.160_162dup (p.Leu57_Gln58insLeu)

Gene: AR (androgen receptor; plus strand). Cytogenetic location: Xq12.
Variant type: Duplication.
Coding change: c.160_162dup on transcript NM_000044.6 (MANE Select); coding-DNA positions 160 to 162, 3 bases duplicated (TTG; older notation c.160_162dupTTG).
Protein change: p.Leu57_Gln58insLeu.
Molecular consequence: inframe insertion. On other transcripts: 5 prime UTR variant (1).
Genome position (GRCh38, 1-based): chrX:67,545,306-67,545,308, TTG duplicated. VCF-style (leftmost placement, unchanged base first): chrX-67545305-T-TTTG. GRCh37 (hg19) VCF-style: chrX-66765147-T-TTTG.
Other names: c.-1624_-1622dup (NM_001011645.3); c.160_162dup, p.Leu57_Gln58insLeu (NM_001348061.1, NM_001348063.1, NM_001348064.1).
Identifiers: ClinVar variation 3761867 (VCV003761867.2).